The following is an entry in ClinVar:

NM_001378120.1(MBD5):c.754A>G (p.Arg252Gly)

Gene: MBD5 (methyl-CpG binding domain protein 5; plus strand). Cytogenetic location: 2q23.1.
Variant type: single nucleotide variant.
Coding change: c.754A>G on transcript NM_001378120.1 (MANE Select); coding-DNA position 754, A replaced by G.
Protein change: p.Arg252Gly; replaces arginine 252 with glycine.
Molecular consequence: missense variant.
Genome position (GRCh38, 1-based): chr2:148,468,697, A>G. VCF-style: chr2-148468697-A-G. GRCh37 (hg19) VCF-style: chr2-149226266-A-G.
Other names: c.754A>G (NM_018328.4); c.754A>G, p.Arg252Gly (NM_018328.5); short protein forms R252G.
Identifiers: ClinVar variation 3018037 (VCV003018037.4), dbSNP rs1223829857, ClinGen allele CA348717647.

ClinVar aggregate classification (germline): Uncertain significance. Review status: criteria provided, multiple submitters, no conflicts (2 of 4 stars). 2 submissions from 2 submitters: Uncertain significance (2). Last evaluated 2024-07-03.

Conditions:
Intellectual developmental disorder, autosomal dominant 1. Also called: MBD5 Haploinsufficiency; Intellectual disability, autosomal dominant 1. Identifiers: Orphanet 228402, MedGen C1969562, MONDO:0007974, OMIM 156200.

Allele frequency attached by ClinVar (database versions not stated): gnomAD 0.00001; TOPMed 0.00001.
gnomAD v4.1: 2 of 1,613,832 alleles (0.00012%); highest among the groups gnomAD compares: African/African-American, 0.0027%; no homozygotes.

Submissions (2):

GeneDx
Classification: Uncertain significance. Last evaluated: 2024-07-03. Review status: criteria provided, single submitter. Criteria: GeneDx Variant Classification Process June 2021. Collection method: clinical testing. Allele origin: germline. Affected: yes.
Comment: In silico analysis indicates that this missense variant does not alter protein structure/function; Has not been previously published as pathogenic or benign to our knowledge

Labcorp Genetics (formerly Invitae), Labcorp
Classification: Uncertain significance for Intellectual developmental disorder, autosomal dominant 1. Last evaluated: 2022-12-30. Review status: criteria provided, single submitter. Criteria: Invitae Variant Classification Sherloc (09022015). Collection method: clinical testing. Allele origin: germline.
Comment: This sequence change replaces arginine, which is basic and polar, with glycine, which is neutral and non-polar, at codon 252 of the MBD5 protein (p.Arg252Gly). This variant is present in population databases (no rsID available, gnomAD 0.01%). In summary, the available evidence is currently insufficient to determine the role of this variant in disease. Therefore, it has been classified as a Variant of Uncertain Significance. Advanced modeling of protein sequence and biophysical properties (such as structural, functional, and spatial information, amino acid conservation, physicochemical variation, residue mobility, and thermodynamic stability) performed at Invitae indicates that this missense variant is not expected to disrupt MBD5 protein function. This variant has not been reported in the literature in individuals affected with MBD5-related conditions.